The following is an entry in ClinVar:

ClinVar aggregate classification (germline): Uncertain significance. Review status: criteria provided, multiple submitters, no conflicts (2 of 4 stars). 2 submissions from 2 submitters: Uncertain significance (2). Last evaluated 2025-04-08.

Conditions:
Inborn genetic diseases. Identifiers: MedGen C0950123, MeSH D030342.

Submissions (2):

Labcorp Genetics (formerly Invitae), Labcorp
Classification: Uncertain significance. Last evaluated: 2025-04-08. Review status: criteria provided, single submitter. Criteria: Invitae Variant Classification Sherloc (09022015). Collection method: clinical testing. Allele origin: germline.
Comment: This sequence change replaces tryptophan, which is neutral and slightly polar, with arginine, which is basic and polar, at codon 639 of the EPAS1 protein (p.Trp639Arg). This variant is not present in population databases (gnomAD no frequency). This variant has not been reported in the literature in individuals affected with EPAS1-related conditions. ClinVar contains an entry for this variant (Variation ID: 2808542). An algorithm developed to predict the effect of missense changes on protein structure and function (PolyPhen-2) suggests that this variant is likely to be disruptive. In summary, the available evidence is currently insufficient to determine the role of this variant in disease. Therefore, it has been classified as a Variant of Uncertain Significance.

Ambry Genetics
Classification: Uncertain significance for Inborn genetic diseases. Last evaluated: 2024-08-07. Review status: criteria provided, single submitter. Criteria: Ambry Variant Classification Scheme 2023. Collection method: clinical testing. Allele origin: germline.
Comment: The p.W639R variant (also known as c.1915T>C), located in coding exon 12 of the EPAS1 gene, results from a T to C substitution at nucleotide position 1915. The tryptophan at codon 639 is replaced by arginine, an amino acid with dissimilar properties. This amino acid position is conserved. In addition, this alteration is predicted to be deleterious by in silico analysis. Based on the available evidence, the clinical significance of this variant remains unclear.

NM_001430.5(EPAS1):c.1915T>C (p.Trp639Arg)

Gene: EPAS1 (endothelial PAS domain protein 1; plus strand). Cytogenetic location: 2p21.
Variant type: single nucleotide variant.
Coding change: c.1915T>C on transcript NM_001430.5 (MANE Select); coding-DNA position 1915, T replaced by C.
Protein change: p.Trp639Arg; replaces tryptophan 639 with arginine.
Molecular consequence: missense variant.
Genome position (GRCh38, 1-based): chr2:46,380,587, T>C. VCF-style: chr2-46380587-T-C. GRCh37 (hg19) VCF-style: chr2-46607726-T-C.
Other names: c.1915T>C (NM_001430.4); short protein forms W639R.
Identifiers: ClinVar variation 2808542 (VCV002808542.4), dbSNP rs2546477624, ClinGen allele CA346705141.